The following is an entry in ClinVar:

ClinVar aggregate classification (germline): Uncertain significance (1 of 4 stars; one submission).

Conditions:
Hereditary cancer-predisposing syndrome. Also called: Tumor predisposition; Hereditary Cancer Syndrome; Hereditary neoplastic syndrome; Neoplastic Syndromes, Hereditary. Identifiers: Orphanet 140162, MedGen C0027672, MeSH D009386, MONDO:0015356.

Submission:

Ambry Genetics
Classification: Uncertain significance for Hereditary cancer-predisposing syndrome. Last evaluated: 2024-05-19. Review status: criteria provided, single submitter. Criteria: Ambry Variant Classification Scheme 2023. Collection method: clinical testing. Allele origin: germline.
Comment: The p.R60W variant (also known as c.178C>T), located in coding exon 1 of the GREM1 gene, results from a C to T substitution at nucleotide position 178. The arginine at codon 60 is replaced by tryptophan, an amino acid with dissimilar properties. This amino acid position is conserved. In addition, this alteration is predicted to be tolerated by in silico analysis. Based on the available evidence, the clinical significance of this variant remains unclear.

NM_013372.7(GREM1):c.178C>T (p.Arg60Trp)

Gene: GREM1 (gremlin 1, DAN family BMP antagonist; plus strand). Cytogenetic location: 15q13.3.
Variant type: single nucleotide variant.
Coding change: c.178C>T on transcript NM_013372.7 (MANE Select); coding-DNA position 178, C replaced by T.
Protein change: p.Arg60Trp; replaces arginine 60 with tryptophan.
Molecular consequence: missense variant. On other transcripts: intron variant (2).
Genome position (GRCh38, 1-based): chr15:32,730,868, C>T. VCF-style: chr15-32730868-C-T. GRCh37 (hg19) VCF-style: chr15-33023069-C-T.
Other names: c.178C>T, p.Arg60Trp (NM_001368719.1); c.115-60C>T (NM_001191323.2); c.28-60C>T (NM_001191322.2); short protein forms R60W.
Identifiers: ClinVar variation 3282646 (VCV003282646.1).
Genomic context (GRCh38, chr15:32,730,868, plus strand): 5'-CAGCACAATGACTCAGAGCAGACTCAGTCGCCCCAGCAGCCTGGCTCCAGGAACCGGGGG[C>T]GGGGCCAAGGGCGGGGCACTGCCATGCCCGGGGAGGAGGTGCTGGAGTCCAGCCAAGAGG-3'
Protein context (NP_037504.1, residues 50-70): PQQPGSRNRG[Arg60Trp]GQGRGTAMPG